The following is an entry in ClinVar:

NM_174878.3(CLRN1):c.253+1G>A

Gene: CLRN1 (clarin 1; minus strand). Cytogenetic location: 3q25.1.
Variant type: single nucleotide variant.
Coding change: c.253+1G>A on transcript NM_174878.3 (MANE Select); the canonical splice donor site of the intron after coding-DNA position 253, G replaced by A.
Molecular consequence: splice donor variant.
Genome position (GRCh38, 1-based): chr3:150,972,455, C>T on the plus strand (G>A on the coding strand, the complement: CLRN1 is on the minus strand). VCF-style: chr3-150972455-C-T. GRCh37 (hg19) VCF-style: chr3-150690242-C-T.
Other names: c.253+1G>A (NM_001195794.1, NM_001256819.2).
Identifiers: ClinVar variation 1511878 (VCV001511878.7), dbSNP rs1329440649, ClinGen allele CA355011730.

ClinVar aggregate classification (germline): Likely pathogenic. Review status: criteria provided, multiple submitters, no conflicts (2 of 4 stars). 2 submissions from 2 submitters: Likely pathogenic (2). Last evaluated 2024-03-08.

Conditions:
Retinitis pigmentosa 61 (RP61). Identifiers: Orphanet 791, MedGen C3280041, MONDO:0013610, OMIM 614180.
Usher syndrome type 3A (USH3A). Also called: USHER SYNDROME, TYPE IIIA. Identifiers: MedGen C5779850, MONDO:0010170, OMIM 276902.

Allele frequency attached by ClinVar (database versions not stated): gnomAD 0.00001.
gnomAD v4.1: 1 of 1,614,050 alleles (0.000062%); highest among the groups gnomAD compares: Admixed American, 0.0017%; no homozygotes.

Submissions (2):

Fulgent Genetics
Classification: Likely pathogenic for Usher syndrome type 3A; Retinitis pigmentosa 61. Last evaluated: 2024-03-08. Review status: criteria provided, single submitter. Criteria: ACMG Guidelines, 2015. Collection method: clinical testing. Allele origin: germline.

Labcorp Genetics (formerly Invitae), Labcorp
Classification: Likely pathogenic. Last evaluated: 2022-10-04. Review status: criteria provided, single submitter. Criteria: Invitae Variant Classification Sherloc (09022015). Collection method: clinical testing. Allele origin: germline.
Comment: Disruption of this splice site has been observed in individual(s) with retinitis pigmentosa (Invitae). In summary, the currently available evidence indicates that the variant is pathogenic, but additional data are needed to prove that conclusively. Therefore, this variant has been classified as Likely Pathogenic. Algorithms developed to predict the effect of sequence changes on RNA splicing suggest that this variant may disrupt the consensus splice site. ClinVar contains an entry for this variant (Variation ID: 1511878). This variant is not present in population databases (gnomAD no frequency). This sequence change affects a donor splice site in intron 1 of the CLRN1 gene. It is expected to disrupt RNA splicing. Variants that disrupt the donor or acceptor splice site typically lead to a loss of protein function (PMID: 16199547), and loss-of-function variants in CLRN1 are known to be pathogenic (PMID: 11524702, 24498627).

Literature cited by the submitters: PubMed 16199547 (cited by Labcorp Genetics (formerly Invitae), Labcorp); PubMed 11524702 (cited by Labcorp Genetics (formerly Invitae), Labcorp); PubMed 24498627 (cited by Labcorp Genetics (formerly Invitae), Labcorp).